The following is an entry in ClinVar:

NM_001032283.3(TMPO):c.454C>G (p.Gln152Glu)

Gene: TMPO (thymopoietin; plus strand). Cytogenetic location: 12q23.1.
Variant type: single nucleotide variant.
Coding change: c.454C>G on transcript NM_001032283.3 (MANE Select); coding-DNA position 454, C replaced by G.
Protein change: p.Gln152Glu; replaces glutamine 152 with glutamic acid.
Molecular consequence: missense variant.
Genome position (GRCh38, 1-based): chr12:98,531,727, C>G. VCF-style: chr12-98531727-C-G. GRCh37 (hg19) VCF-style: chr12-98925505-C-G.
Other names: c.454C>G, p.Gln152Glu (NM_001032284.3, NM_001307975.2, NM_003276.2); short protein forms Q152E.
Identifiers: ClinVar variation 1741411 (VCV001741411.2), dbSNP rs865810344, ClinGen allele CA386151083.

ClinVar aggregate classification (germline): Uncertain significance (1 of 4 stars; one submission).

Submission:

Ambry Genetics
Classification: Uncertain significance. Last evaluated: 2021-10-11. Review status: criteria provided, single submitter. Criteria: Ambry Variant Classification Scheme 2023. Collection method: clinical testing. Allele origin: germline.
Comment: The p.Q152E variant (also known as c.454C>G), located in coding exon 3 of the TMPO gene, results from a C to G substitution at nucleotide position 454. The glutamine at codon 152 is replaced by glutamic acid, an amino acid with highly similar properties. This amino acid position is conserved. In addition, this alteration is predicted to be tolerated by in silico analysis. Since supporting evidence is limited at this time, the clinical significance of this alteration remains unclear.